The following is an entry in ClinVar:

ClinVar aggregate classification (germline): Conflicting classifications of pathogenicity. Review status: criteria provided, conflicting classifications (1 of 4 stars). 3 submissions from 3 submitters: Likely pathogenic (1); Uncertain significance (2). Last evaluated 2023-08-27.

Conditions:
Hypertrophic cardiomyopathy. Also called: HYPERTROPHIC MYOCARDIOPATHY. Identifiers: Orphanet 217569, MedGen C0007194, MeSH D002312, MONDO:0005045, HP:0001639.
Cardiomyopathy (CMYO). Also called: Cardiomyopathies. Identifiers: Orphanet 167848, MedGen C0878544, MONDO:0004994, HP:0001638. Inheritance: Various modes of inheritance.
MYH7-related disorder. Also called: MYH7-related condition; MYH7-related disease; MYH7-related disorders.

Submissions (3):

Labcorp Genetics (formerly Invitae), Labcorp
Classification: Uncertain significance for Hypertrophic cardiomyopathy. Last evaluated: 2023-08-27. Review status: criteria provided, single submitter. Criteria: Invitae Variant Classification Sherloc (09022015). Collection method: clinical testing. Allele origin: germline.
Comment: This sequence change replaces valine, which is neutral and non-polar, with isoleucine, which is neutral and non-polar, at codon 824 of the MYH7 protein (p.Val824Ile). In summary, the available evidence is currently insufficient to determine the role of this variant in disease. Therefore, it has been classified as a Variant of Uncertain Significance. Advanced modeling of protein sequence and biophysical properties (such as structural, functional, and spatial information, amino acid conservation, physicochemical variation, residue mobility, and thermodynamic stability) performed at Invitae indicates that this missense variant is expected to disrupt MYH7 protein function. ClinVar contains an entry for this variant (Variation ID: 636527). This missense change has been observed in individual(s) with hypertrophic cardiomyopathy (PMID: 12974739, 22429680, 33673806). This variant is not present in population databases (gnomAD no frequency).

CHEO Genetics Diagnostic Laboratory, Children's Hospital of Eastern Ontario
Classification: Uncertain significance for Cardiomyopathy. Last evaluated: 2021-08-13. Review status: criteria provided, single submitter. Criteria: ACMG Guidelines, 2015. Collection method: clinical testing. Allele origin: germline.

Blueprint Genetics
Classification: Likely pathogenic for MYH7-related disorders. Last evaluated: 2017-11-14. Review status: criteria provided, single submitter. Criteria: ACMG Guidelines, 2015. Collection method: clinical testing. Allele origin: germline. Affected: yes. Observed: 2 variant alleles.

Literature cited by the submitters: PubMed 12974739 (cited by Labcorp Genetics (formerly Invitae), Labcorp); PubMed 22429680 (cited by Labcorp Genetics (formerly Invitae), Labcorp); PubMed 33673806 (cited by Labcorp Genetics (formerly Invitae), Labcorp).

NM_000257.4(MYH7):c.2470G>A (p.Val824Ile)

Genes: MYH7 (myosin heavy chain 7; minus strand), LOC126861898 (BRD4-independent group 4 enhancer GRCh37_chr14:23893609-23894808; plus strand). Cytogenetic location: 14q11.2.
Variant type: single nucleotide variant.
Coding change: c.2470G>A on transcript NM_000257.4 (MANE Select); coding-DNA position 2470, G replaced by A.
Protein change: p.Val824Ile; replaces valine 824 with isoleucine.
Molecular consequence: missense variant.
Genome position (GRCh38, 1-based): chr14:23,424,978, C>T on the plus strand (G>A on the coding strand, the complement: MYH7 is on the minus strand). VCF-style: chr14-23424978-C-T. GRCh37 (hg19) VCF-style: chr14-23894187-C-T.
Other names: c.2470G>A (LRG_384t1); short protein forms V824I.
Identifiers: ClinVar variation 636527 (VCV000636527.7), dbSNP rs397516149, ClinGen allele CA389048345.